The following is an entry in ClinVar:

ClinVar aggregate classification (germline): Uncertain significance (1 of 4 stars; one submission).

gnomAD v4.1: 33 of 1,613,348 alleles (0.002%); highest among the groups gnomAD compares: Admixed American, 0.015%; no homozygotes.

Submission:

Labcorp Genetics (formerly Invitae), Labcorp
Classification: Uncertain significance. Last evaluated: 2025-07-19. Review status: criteria provided, single submitter. Criteria: Invitae Variant Classification Sherloc (09022015). Collection method: clinical testing. Allele origin: germline.
Comment: This sequence change replaces glycine, which is neutral and non-polar, with arginine, which is basic and polar, at codon 11 of the PYROXD1 protein (p.Gly11Arg). This variant is present in population databases (rs376228368, gnomAD 0.02%). This variant has not been reported in the literature in individuals affected with PYROXD1-related conditions. Invitae Evidence Modeling of protein sequence and biophysical properties (such as structural, functional, and spatial information, amino acid conservation, physicochemical variation, residue mobility, and thermodynamic stability) indicates that this missense variant is not expected to disrupt PYROXD1 protein function with a negative predictive value of 80%. In summary, the available evidence is currently insufficient to determine the role of this variant in disease. Therefore, it has been classified as a Variant of Uncertain Significance.

NM_024854.5(PYROXD1):c.31G>C (p.Gly11Arg)

Genes: PYROXD1 (pyridine nucleotide-disulphide oxidoreductase domain 1; plus strand), LOC130007527 (ATAC-STARR-seq lymphoblastoid active region 6087; plus strand). Cytogenetic location: 12p12.1.
Variant type: single nucleotide variant.
Coding change: c.31G>C on transcript NM_024854.5 (MANE Select); coding-DNA position 31, G replaced by C.
Protein change: p.Gly11Arg; replaces glycine 11 with arginine.
Molecular consequence: missense variant. On other transcripts: 5 prime UTR variant (1).
Genome position (GRCh38, 1-based): chr12:21,437,761, G>C. VCF-style: chr12-21437761-G-C. GRCh37 (hg19) VCF-style: chr12-21590695-G-C.
Other names: c.-673G>C (NM_001350913.2); short protein forms G11R.
Identifiers: ClinVar variation 4737700 (VCV004737700.1).